The following is an entry in ClinVar:

ClinVar aggregate classification (germline): Uncertain significance. Review status: criteria provided, multiple submitters, no conflicts (2 of 4 stars). 2 submissions from 2 submitters: Uncertain significance (2). Last evaluated 2026-06-02.

Conditions:
Naxos disease (NXD). Also called: KERATOSIS PALMOPLANTARIS WITH ARRHYTHMOGENIC CARDIOMYOPATHY; MAL DE NAXOS; PALMOPLANTAR KERATODERMA WITH ARRHYTHMOGENIC RIGHT VENTRICULAR CARDIOMYOPATHY AND WOOLLY HAIR; WOOLLY HAIR, PALMOPLANTAR KERATODERMA, AND CARDIAC ABNORMALITIES; CARDIOMYOPATHY, ARRHYTHMOGENIC RIGHT VENTRICULAR, WITH SKIN, HAIR, AND NAIL ABNORMALITIES. Identifiers: Orphanet 34217, MedGen C1832600, MONDO:0011017, OMIM 601214.
Arrhythmogenic right ventricular dysplasia 12. Also called: ARRHYTHMOGENIC RIGHT VENTRICULAR DYSPLASIA, FAMILIAL, 12. Identifiers: MedGen C1969081, MONDO:0012684, OMIM 611528.
Primary familial hypertrophic cardiomyopathy (HCM). Identifiers: Orphanet 99739, MedGen C0949658, MeSH D024741, MONDO:0024573. Inheritance: Various modes of inheritance.

Allele frequency attached by ClinVar (database versions not stated): gnomAD exomes below 0.00001 and 0.00001; TOPMed 0.00001.
gnomAD v4.1: 13 of 1,612,840 alleles (0.00081%); highest among the groups gnomAD compares: Non-Finnish European, 0.00068%; no homozygotes.

Submissions (2):

Petrovsky National Research Centre of Surgery, The Federal Agency for Scientific Organizations
Classification: Uncertain significance for Primary familial hypertrophic cardiomyopathy. Last evaluated: 2026-06-02. Review status: criteria provided, single submitter. Criteria: ACMG Guidelines, 2015. Collection method: research. Allele origin: unknown. Affected: yes. Observed: 1 variant allele, 1 heterozygote.
Comment: This variant is in The Genome Aggregation Database (gnomAD) v4.1.0 with total AF=0. 00000806 (Date of access 01-06-2026). Computational evidence suggests no impact on gene or gene product: REVEL score=0,163<0.4 (BP4). In accordance with ACMG(2015) criteria this variant is classified as Variant of Uncertain Significance (VUS) with following criteria selected: PM2, BP4.

Labcorp Genetics (formerly Invitae), Labcorp
Classification: Uncertain significance for Arrhythmogenic right ventricular dysplasia 12; Naxos disease. Last evaluated: 2025-07-02. Review status: criteria provided, single submitter. Criteria: Invitae Variant Classification Sherloc (09022015). Collection method: clinical testing. Allele origin: germline.
Comment: This sequence change replaces isoleucine, which is neutral and non-polar, with valine, which is neutral and non-polar, at codon 127 of the JUP protein (p.Ile127Val). This variant is present in population databases (no rsID available, gnomAD 0.005%). This variant has not been reported in the literature in individuals affected with JUP-related conditions. ClinVar contains an entry for this variant (Variation ID: 468753). An algorithm developed to predict the effect of missense changes on protein structure and function (PolyPhen-2) suggests that this variant is likely to be tolerated. In summary, the available evidence is currently insufficient to determine the role of this variant in disease. Therefore, it has been classified as a Variant of Uncertain Significance.

NM_002230.4(JUP):c.379A>G (p.Ile127Val)

Gene: JUP (junction plakoglobin; minus strand). Cytogenetic location: 17q21.2.
Variant type: single nucleotide variant.
Coding change: c.379A>G on transcript NM_002230.4 (MANE Select); coding-DNA position 379, A replaced by G.
Protein change: p.Ile127Val; replaces isoleucine 127 with valine.
Molecular consequence: missense variant.
Genome position (GRCh38, 1-based): chr17:41,769,507, T>C on the plus strand (A>G on the coding strand, the complement: JUP is on the minus strand). VCF-style: chr17-41769507-T-C. GRCh37 (hg19) VCF-style: chr17-39925759-T-C.
Other names: c.379A>G, p.Ile127Val (NM_001352773.2, NM_001352774.2, NM_001352775.2 and 3 more transcripts); short protein forms I127V.
Identifiers: ClinVar variation 468753 (VCV000468753.9), dbSNP rs1205967739, ClinGen allele CA399505186.